The following is an entry in ClinVar:

NM_177438.3(DICER1):c.3269+6C>T

Gene: DICER1 (dicer 1, ribonuclease III; minus strand). Cytogenetic location: 14q32.13.
Variant type: single nucleotide variant.
Coding change: c.3269+6C>T on transcript NM_177438.3 (MANE Select); 6 bases into the intron after coding-DNA position 3269, C replaced by T.
Molecular consequence: intron variant.
Genome position (GRCh38, 1-based): chr14:95,105,065, G>A on the plus strand (C>T on the coding strand, the complement: DICER1 is on the minus strand). VCF-style: chr14-95105065-G-A. GRCh37 (hg19) VCF-style: chr14-95571402-G-A.
Other names: c.3269+6C>T (NM_001291628.2, NM_030621.4, NM_001271282.3 and 1 more transcripts).
Identifiers: ClinVar variation 1390982 (VCV001390982.7), dbSNP rs542259797, ClinGen allele CA7331075.
Genomic context (GRCh38, chr14:95,105,065, plus strand): 5'-AATTCTGTTCTTTTGCAAACAGGATCTCATGATCTGTGTTCTTTCTGGCTGACTGCACAG[G>A]CATACCTAAAATCCGCAGGAAGTGATCTGACTCCCACGCCAGCATCGCTGGCAGTCTGGG-3'

ClinVar aggregate classification (germline): Uncertain significance (1 of 4 stars; one submission).

Conditions:
DICER1-related tumor predisposition. Also called: DICER1 syndrome; DICER1-related pleuropulmonary blastoma cancer predisposition syndrome. Identifiers: Orphanet 284343, MedGen C3839822, MONDO:0100216.

Allele frequency attached by ClinVar (database versions not stated): gnomAD exomes below 0.00001; ExAC 0.00001; gnomAD 0.00001; 1000 Genomes Project 30x 0.00031; 1000 Genomes Project 0.00040.
gnomAD v4.1: 1 of 1,613,526 alleles (0.000062%); highest among the groups gnomAD compares: South Asian, 0.0011%; no homozygotes.

Submission:

Labcorp Genetics (formerly Invitae), Labcorp
Classification: Uncertain significance for DICER1-related tumor predisposition. Last evaluated: 2023-04-12. Review status: criteria provided, single submitter. Criteria: Invitae Variant Classification Sherloc (09022015). Collection method: clinical testing. Allele origin: germline.
Comment: In summary, the available evidence is currently insufficient to determine the role of this variant in disease. Therefore, it has been classified as a Variant of Uncertain Significance. Variants that disrupt the consensus splice site are a relatively common cause of aberrant splicing (PMID: 17576681, 9536098). Algorithms developed to predict the effect of sequence changes on RNA splicing suggest that this variant is not likely to affect RNA splicing. ClinVar contains an entry for this variant (Variation ID: 1390982). This variant has not been reported in the literature in individuals affected with DICER1-related conditions. This variant is present in population databases (rs542259797, gnomAD 0.003%). This sequence change falls in intron 20 of the DICER1 gene. It does not directly change the encoded amino acid sequence of the DICER1 protein. It affects a nucleotide within the consensus splice site.

Literature cited by the submitters: PubMed 17576681; PubMed 9536098.